The following is an entry in ClinVar:

NM_001853.4(COL9A3):c.1055G>A (p.Gly352Asp)

Gene: COL9A3 (collagen type IX alpha 3 chain; plus strand). Cytogenetic location: 20q13.33.
Variant type: single nucleotide variant.
Coding change: c.1055G>A on transcript NM_001853.4 (MANE Select); coding-DNA position 1055, G replaced by A.
Protein change: p.Gly352Asp; replaces glycine 352 with aspartic acid.
Molecular consequence: missense variant.
Genome position (GRCh38, 1-based): chr20:62,829,629, G>A. VCF-style: chr20-62829629-G-A. GRCh37 (hg19) VCF-style: chr20-61460981-G-A.
Other names: short protein forms G352D.
Identifiers: ClinVar variation 2502080 (VCV002502080.1), dbSNP rs1361061840, ClinGen allele CA409593459.

ClinVar aggregate classification (germline): Uncertain significance (1 of 4 stars; one submission).

Allele frequency attached by ClinVar (database versions not stated): gnomAD 0.00001; TOPMed 0.00003.
gnomAD v4.1: 4 of 1,609,752 alleles (0.00025%); highest among the groups gnomAD compares: Admixed American, 0.0017%; no homozygotes.

Submission:

GeneDx
Classification: Uncertain significance. Last evaluated: 2022-11-14. Review status: criteria provided, single submitter. Criteria: GeneDx Variant Classification Process June 2021. Collection method: clinical testing. Allele origin: germline. Affected: yes.
Comment: Not observed at significant frequency in large population cohorts (gnomAD); In silico analysis supports that this missense variant has a deleterious effect on protein structure/function; Has not been previously published as pathogenic or benign to our knowledge